The following is an entry in ClinVar:

ClinVar aggregate classification (germline): Uncertain significance (1 of 4 stars; one submission).

Conditions:
Hereditary diffuse gastric adenocarcinoma (HDGC). Also called: DIFFUSE GASTRIC AND LOBULAR BREAST CANCER SYNDROME. Identifiers: Orphanet 26106, MedGen C1708349, MONDO:0007648, OMIM 137215.

Submission:

Labcorp Genetics (formerly Invitae), Labcorp
Classification: Uncertain significance for Hereditary diffuse gastric adenocarcinoma. Last evaluated: 2018-01-30. Review status: criteria provided, single submitter. Criteria: Invitae Variant Classification Sherloc (09022015). Collection method: clinical testing. Allele origin: germline.
Comment: This variant is not present in population databases (ExAC no frequency). This sequence change replaces glutamic acid with lysine at codon 596 of the CDH1 protein (p.Glu596Lys). The glutamic acid residue is moderately conserved and there is a small physicochemical difference between glutamic acid and lysine. This variant has not been reported in the literature in individuals with CDH1-related disease. In summary, the available evidence is currently insufficient to determine the role of this variant in disease. Therefore, it has been classified as a Variant of Uncertain Significance. Algorithms developed to predict the effect of missense changes on protein structure and function do not agree on the potential impact of this missense change (SIFT: "Tolerated"; PolyPhen-2: "Benign"; Align-GVGD: "Class C0").

NM_004360.5(CDH1):c.1786G>A (p.Glu596Lys)

Gene: CDH1 (cadherin 1; plus strand). Cytogenetic location: 16q22.1.
Variant type: single nucleotide variant.
Coding change: c.1786G>A on transcript NM_004360.5 (MANE Select); coding-DNA position 1786, G replaced by A.
Protein change: p.Glu596Lys; replaces glutamic acid 596 with lysine.
Molecular consequence: missense variant. On other transcripts: 5 prime UTR variant (1).
Genome position (GRCh38, 1-based): chr16:68,822,075, G>A. VCF-style: chr16-68822075-G-A. GRCh37 (hg19) VCF-style: chr16-68855978-G-A.
Other names: c.1786G>A (LRG_301t1); c.1603G>A, p.Glu535Lys (NM_001317184.2); c.238G>A, p.Glu80Lys (NM_001317185.2); c.-180G>A (NM_001317186.2); short protein forms E596K, E80K, E535K.
Identifiers: ClinVar variation 567314 (VCV000567314.9), dbSNP rs1555516844, ClinGen allele CA396466644.
Genomic context (GRCh38, chr16:68,822,075, plus strand): 5'-ACTGGAACAGGGACACTTCTGCTGATCCTGTCTGATGTGAATGACAACGCCCCCATACCA[G>A]AACCTCGAACTATATTCTTCTGTGAGAGGAATCCAAAGCCTCAGGTCATAAACATCATTG-3'
Protein context (NP_004351.1, residues 586-606): SDVNDNAPIP[Glu596Lys]PRTIFFCERN